The following is an entry in ClinVar:

NM_182916.3(TRNT1):c.1274A>G (p.Asp425Gly)

Gene: TRNT1 (tRNA nucleotidyl transferase 1; plus strand). Cytogenetic location: 3p26.2.
Variant type: single nucleotide variant.
Coding change: c.1274A>G on transcript NM_182916.3 (MANE Select); coding-DNA position 1274, A replaced by G.
Protein change: p.Asp425Gly; replaces aspartic acid 425 with glycine.
Molecular consequence: missense variant. On other transcripts: non-coding transcript variant (8).
Genome position (GRCh38, 1-based): chr3:3,148,123, A>G. VCF-style: chr3-3148123-A-G. GRCh37 (hg19) VCF-style: chr3-3189807-A-G.
Other names: c.1214A>G, p.Asp405Gly (NM_001302946.2); c.1274A>G, p.Asp425Gly (NM_001367321.1, NM_001367322.1, NM_001367323.1); short protein forms D405G, D425G.
Identifiers: ClinVar variation 964278 (VCV000964278.5), dbSNP rs146766859, ClinGen allele CA2228932.
Genomic context (GRCh38, chr3:3,148,123, plus strand): 5'-GGGCTCTATTACAACAGTTGCGAGAACAGTGGAAAAAAAGTGGTTACCAAATGGAAAAAG[A>G]TGAACTTCTGAGTTACATAAAGAAGACCTAAAACTGATGGCTACTAAAAAGCAGAGCATT-3'
Protein context (NP_886552.3, residues 415-434): WKKSGYQMEK[Asp425Gly]ELLSYIKKT

ClinVar aggregate classification (germline): Uncertain significance (1 of 4 stars; one submission).

Conditions:
Congenital sideroblastic anemia-B-cell immunodeficiency-periodic fever-developmental delay syndrome. Also called: Sideroblastic anemia with B-cell immunodeficiency, periodic fevers, and developmental delay. Identifiers: Orphanet 369861, MedGen C4015172, MONDO:0014487, OMIM 616084.

Allele frequency attached by ClinVar (database versions not stated): gnomAD exomes below 0.00001; TOPMed below 0.00001; ExAC 0.00001; ESP Exome Variant Server 0.00008.
gnomAD v4.1: 14 of 1,613,790 alleles (0.00087%); highest among the groups gnomAD compares: Non-Finnish European, 0.0012%; no homozygotes.

Submission:

Labcorp Genetics (formerly Invitae), Labcorp
Classification: Uncertain significance for Congenital sideroblastic anemia-B-cell immunodeficiency-periodic fever-developmental delay syndrome. Last evaluated: 2024-03-01. Review status: criteria provided, single submitter. Criteria: Invitae Variant Classification Sherloc (09022015). Collection method: clinical testing. Allele origin: germline.
Comment: This sequence change replaces aspartic acid, which is acidic and polar, with glycine, which is neutral and non-polar, at codon 425 of the TRNT1 protein (p.Asp425Gly). This variant is not present in population databases (gnomAD no frequency). This variant has not been reported in the literature in individuals affected with TRNT1-related conditions. ClinVar contains an entry for this variant (Variation ID: 964278). An algorithm developed to predict the effect of missense changes on protein structure and function (PolyPhen-2) suggests that this variant¬†is likely to be tolerated. In summary, the available evidence is currently insufficient to determine the role of this variant in disease. Therefore, it has been classified as a Variant of Uncertain Significance.